The following is an entry in ClinVar:

NM_002860.4(ALDH18A1):c.11A>G (p.Gln4Arg)

Gene: ALDH18A1 (aldehyde dehydrogenase 18 family member A1; minus strand). Cytogenetic location: 10q24.1.
Variant type: single nucleotide variant.
Coding change: c.11A>G on transcript NM_002860.4 (MANE Select); coding-DNA position 11, A replaced by G.
Protein change: p.Gln4Arg; replaces glutamine 4 with arginine.
Molecular consequence: missense variant. On other transcripts: 5 prime UTR variant (4).
Genome position (GRCh38, 1-based): chr10:95,653,367, T>C on the plus strand (A>G on the coding strand, the complement: ALDH18A1 is on the minus strand). VCF-style: chr10-95653367-T-C. GRCh37 (hg19) VCF-style: chr10-97413124-T-C.
Other names: c.11A>G, p.Gln4Arg (NM_001017423.2, NM_001323413.2, NM_001323414.2 and 2 more transcripts); c.-108A>G (NM_001323412.2, NM_001323416.2, NM_001323418.2); c.-156A>G (NM_001323419.2); short protein forms Q4R.
Identifiers: ClinVar variation 1988500 (VCV001988500.9), dbSNP rs2097913384, ClinGen allele CA377710785.

ClinVar aggregate classification (germline): Uncertain significance. Review status: criteria provided, multiple submitters, no conflicts (2 of 4 stars). 2 submissions from 2 submitters: Uncertain significance (2). Last evaluated 2025-10-01.

Conditions:
de Barsy syndrome. Also called: Cutis laxa-corneal clouding-oligophrenia syndrome. Identifiers: Orphanet 2962, MedGen C0268354, MONDO:0017569.
Autosomal dominant spastic paraplegia type 9. Identifiers: MedGen C1832669, MONDO:0015091.
Cutis laxa, autosomal dominant 3 (ADCL3). Identifiers: Orphanet 90348, MedGen C4225268, MONDO:0014706, OMIM 616603.

Allele frequency attached by ClinVar (database versions not stated): gnomAD exomes below 0.00001; TOPMed below 0.00001.
gnomAD v4.1: 2 of 1,613,422 alleles (0.00012%); highest among the groups gnomAD compares: Non-Finnish European, 0.00017%; no homozygotes.

Submissions (2):

CeGaT Center for Human Genetics Tuebingen
Classification: Uncertain significance. Last evaluated: 2025-10-01. Review status: criteria provided, single submitter. Criteria: CeGaT Center For Human Genetics Tuebingen Variant Classification Criteria Version 2. Collection method: clinical testing. Allele origin: germline. Affected: yes. Observed: 1 variant allele.
Comment: ALDH18A1: PM2, BP4

Labcorp Genetics (formerly Invitae), Labcorp
Classification: Uncertain significance for Autosomal dominant spastic paraplegia type 9; de Barsy syndrome; Cutis laxa, autosomal dominant 3. Last evaluated: 2022-10-06. Review status: criteria provided, single submitter. Criteria: Invitae Variant Classification Sherloc (09022015). Collection method: clinical testing. Allele origin: germline.
Comment: This variant has not been reported in the literature in individuals affected with ALDH18A1-related conditions. In summary, the available evidence is currently insufficient to determine the role of this variant in disease. Therefore, it has been classified as a Variant of Uncertain Significance. Algorithms developed to predict the effect of missense changes on protein structure and function output the following: SIFT: "Tolerated"; PolyPhen-2: "Benign"; Align-GVGD: "Class C0". The arginine amino acid residue is found in multiple mammalian species, which suggests that this missense change does not adversely affect protein function. This variant is not present in population databases (gnomAD no frequency). This sequence change replaces glutamine, which is neutral and polar, with arginine, which is basic and polar, at codon 4 of the ALDH18A1 protein (p.Gln4Arg).